The following is an entry in ClinVar:

ClinVar aggregate classification (germline): Uncertain significance (1 of 4 stars; one submission).

Conditions:
Brugada syndrome. Also called: Sudden unexpected nocturnal death syndrome; Sudden unexplained nocturnal death syndrome; Sudden Unexplained Death Syndrome; Sudden Unexplained Nocturnal Death Syndrome (SUNDS). Identifiers: Orphanet 130, MedGen C1142166, MONDO:0015263.

Submission:

Labcorp Genetics (formerly Invitae), Labcorp
Classification: Uncertain significance for Brugada syndrome. Last evaluated: 2022-09-01. Review status: criteria provided, single submitter. Criteria: Invitae Variant Classification Sherloc (09022015). Collection method: clinical testing. Allele origin: germline.
Comment: In summary, the available evidence is currently insufficient to determine the role of this variant in disease. Therefore, it has been classified as a Variant of Uncertain Significance. Algorithms developed to predict the effect of sequence changes on RNA splicing suggest that this variant may create or strengthen a splice site. Experimental studies and prediction algorithms are not available or were not evaluated, and the functional significance of this variant is currently unknown. This variant has not been reported in the literature in individuals affected with SCN10A-related conditions. This variant is present in population databases (rs759319080, gnomAD 0.0009%). This sequence change creates a premature translational stop signal (p.Gly1625Ilefs*56) in the SCN10A gene. While this is not anticipated to result in nonsense mediated decay, it is expected to disrupt the last 332 amino acid(s) of the SCN10A protein.

NM_006514.4(SCN10A):c.4873_4878delinsATCTACTCCA (p.Gly1625fs)

Gene: SCN10A (sodium voltage-gated channel alpha subunit 10; minus strand). Cytogenetic location: 3p22.2.
Variant type: Indel.
Coding change: c.4873_4878delinsATCTACTCCA on transcript NM_006514.4 (MANE Select); coding-DNA positions 4873 to 4878, GGTATG replaced by ATCTACTCCA.
Protein change: p.Gly1625fs; shifts the reading frame from glycine 1625.
Molecular consequence: frameshift variant.
Genome position (GRCh38, 1-based): chr3:38,698,342-38,698,347, CATACC replaced by TGGAGTAGAT on the plus strand (GGTATG replaced by ATCTACTCCA on the coding strand, the reverse complement: SCN10A is on the minus strand). VCF-style: chr3-38698342-CATACC-TGGAGTAGAT. GRCh37 (hg19) VCF-style: chr3-38739833-CATACC-TGGAGTAGAT.
Other names: c.4870_4875delinsATCTACTCCA, p.Gly1624fs (NM_001293306.2); c.4579_4584delinsATCTACTCCA, p.Gly1527fs (NM_001293307.2); short protein forms G1527fs, G1624fs, G1625fs.
Identifiers: ClinVar variation 463261 (VCV000463261.3), dbSNP rs1553613078, ClinGen allele CA658657285.